The following is an entry in ClinVar:

ClinVar aggregate classification (germline): Uncertain significance. Review status: criteria provided, multiple submitters, no conflicts (2 of 4 stars). 2 submissions from 2 submitters: Uncertain significance (2). Last evaluated 2025-08-10.

Conditions:
Charcot-Marie-Tooth disease type 2. Also called: Charcot-Marie-Tooth type 2. Identifiers: Orphanet 64746, MedGen C0270914, MONDO:0018993.

Allele frequency attached by ClinVar (database versions not stated): gnomAD exomes below 0.00001.
gnomAD v4.1: 1 of 1,614,216 alleles (0.000062%); highest among the groups gnomAD compares: Non-Finnish European, 0.000085%; no homozygotes.

Submissions (2):

Labcorp Genetics (formerly Invitae), Labcorp
Classification: Uncertain significance for Charcot-Marie-Tooth disease type 2. Last evaluated: 2025-08-10. Review status: criteria provided, single submitter. Criteria: Invitae Variant Classification Sherloc (09022015). Collection method: clinical testing. Allele origin: germline.
Comment: This sequence change replaces threonine, which is neutral and polar, with isoleucine, which is neutral and non-polar, at codon 606 of the AARS protein (p.Thr606Ile). This variant is not present in population databases (gnomAD no frequency). This missense change has been observed in individual(s) with adult-onset leukoencephalopathy with spheroids and pigmented glia (PMID: 37106376). ClinVar contains an entry for this variant (Variation ID: 1879341). Invitae Evidence Modeling of protein sequence and biophysical properties (such as structural, functional, and spatial information, amino acid conservation, physicochemical variation, residue mobility, and thermodynamic stability) indicates that this missense variant is expected to disrupt AARS protein function with a positive predictive value of 95%. Experimental studies have shown that this missense change affects AARS function (PMID: 37106376). In summary, the available evidence is currently insufficient to determine the role of this variant in disease. Therefore, it has been classified as a Variant of Uncertain Significance.

CeGaT Center for Human Genetics Tuebingen
Classification: Uncertain significance. Last evaluated: 2022-10-01. Review status: criteria provided, single submitter. Criteria: CeGaT Center For Human Genetics Tuebingen Variant Classification Criteria Version 2. Collection method: clinical testing. Allele origin: germline. Affected: yes. Observed: 1 variant allele.
Comment: AARS1: PM1, PM2, PP3

Literature cited by the submitters: PubMed 37106376 (cited by Labcorp Genetics (formerly Invitae), Labcorp).

NM_001605.3(AARS1):c.1817C>T (p.Thr606Ile)

Gene: AARS1 (alanyl-tRNA synthetase 1; minus strand). Cytogenetic location: 16q22.1.
Variant type: single nucleotide variant.
Coding change: c.1817C>T on transcript NM_001605.3 (MANE Select); coding-DNA position 1817, C replaced by T.
Protein change: p.Thr606Ile; replaces threonine 606 with isoleucine.
Molecular consequence: missense variant.
Genome position (GRCh38, 1-based): chr16:70,259,155, G>A on the plus strand (C>T on the coding strand, the complement: AARS1 is on the minus strand). VCF-style: chr16-70259155-G-A. GRCh37 (hg19) VCF-style: chr16-70293058-G-A.
Other names: short protein forms T606I.
Identifiers: ClinVar variation 1879341 (VCV001879341.30), dbSNP rs2506998138, ClinGen allele CA396558339.